The following is an entry in ClinVar:

ClinVar aggregate classification (germline): Likely pathogenic. Review status: criteria provided, multiple submitters, no conflicts (2 of 4 stars). 2 submissions from 2 submitters: Likely pathogenic (2). Last evaluated 2024-11-12.

Conditions:
Citrullinemia type I (CTNL1). Also called: argininosuccinate synthetase deficiency; ASS DEFICIENCY. Identifiers: Orphanet 247525, MedGen C4721769, MONDO:0008988, OMIM 215700.

Submissions (2):

Natera, Inc.
Classification: Likely pathogenic for Citrullinemia type I. Last evaluated: 2024-11-12. Review status: criteria provided, single submitter. Criteria: Natera Variant Classification Schema (03/2026). Collection method: clinical testing. Allele origin: germline.
Comment: The c.726delC variant in ASS1 is a frameshift variant predicted to shift the reading frame beginning at codon 243 and leads to a stop codon 12 codons downstream. This variant is expected to result in nonsense mediated decay, truncation, or a dysfunctional protein product. This variant is rare in the general population with a frequency below the threshold expected for the associated phenotype(s). Given the available evidence, this variant is classified as Likely Pathogenic.

Baylor Genetics
Classification: Likely pathogenic for Citrullinemia type I. Last evaluated: 2023-11-27. Review status: criteria provided, single submitter. Criteria: ACMG Guidelines, 2015. Collection method: clinical testing. Allele origin: unknown.

NM_054012.4(ASS1):c.726del (p.Thr243fs)

Gene: ASS1 (argininosuccinate synthase 1; plus strand). Cytogenetic location: 9q34.11.
Variant type: Deletion.
Coding change: c.726del on transcript NM_054012.4 (MANE Select); coding-DNA position 726, one base deleted (C; older notation c.726delC).
Protein change: p.Thr243fs; shifts the reading frame from threonine 243.
Molecular consequence: frameshift variant.
Genome position (GRCh38, 1-based): chr9:130,479,753, C deleted; the last of 2 consecutive C bases (chr9:130,479,752-130,479,753); deleting either gives the same sequence. VCF-style (leftmost placement, unchanged base first): chr9-130479751-AC-A. GRCh37 (hg19) VCF-style: chr9-133355138-AC-A.
Other names: c.726delC (NM_000050.4); c.726del, p.Thr243fs (NM_000050.4); short protein forms T243fs.
Identifiers: ClinVar variation 3240653 (VCV003240653.2), dbSNP rs925553792.